The following is an entry in ClinVar:

NM_001286611.2(REPS1):c.1808G>A (p.Arg603His)

Gene: REPS1 (RALBP1 associated Eps domain containing 1; minus strand). Cytogenetic location: 6q24.1.
Variant type: single nucleotide variant.
Coding change: c.1808G>A on transcript NM_001286611.2 (MANE Select); coding-DNA position 1808, G replaced by A.
Protein change: p.Arg603His; replaces arginine 603 with histidine.
Molecular consequence: missense variant.
Genome position (GRCh38, 1-based): chr6:138,912,928, C>T on the plus strand (G>A on the coding strand, the complement: REPS1 is on the minus strand). VCF-style: chr6-138912928-C-T. GRCh37 (hg19) VCF-style: chr6-139234065-C-T.
Other names: c.1727G>A, p.Arg576His (NM_001128617.3); c.1535G>A, p.Arg512His (NM_001286612.2); c.1805G>A, p.Arg602His (NM_031922.5); short protein forms R602H, R603H, R512H, R576H.
Identifiers: ClinVar variation 3432095 (VCV003432095.2).
Genomic context (GRCh38, chr6:138,912,928, plus strand): 5'-TCTGGTATCTGCTGAGGTGAGGTACTAGTGTGAGTTATGAGGCCATCGGCATCCACTGGG[C>T]GATGCACAGCAGGACCAGGAGCCTGTGCAATGGTTCAGAACAGAGGAACACACATTCTAT-3'
Protein context (NP_001273540.1, residues 593-613): PSQAPGPAVH[Arg603His]PVDADGLITH

ClinVar aggregate classification (germline): Uncertain significance. Review status: criteria provided, multiple submitters, no conflicts (2 of 4 stars). 2 submissions from 2 submitters: Uncertain significance (2). Last evaluated 2025-11-05.

gnomAD v4.1: 61 of 1,613,748 alleles (0.0038%); highest among the groups gnomAD compares: South Asian, 0.025%; no homozygotes.

Submissions (2):

Labcorp Genetics (formerly Invitae), Labcorp
Classification: Uncertain significance. Last evaluated: 2025-11-05. Review status: criteria provided, single submitter. Criteria: Invitae Variant Classification Sherloc (09022015). Collection method: clinical testing. Allele origin: germline.
Comment: This sequence change replaces arginine, which is basic and polar, with histidine, which is basic and polar, at codon 603 of the REPS1 protein (p.Arg603His). This variant is present in population databases (rs557942864, gnomAD 0.03%). This variant has not been reported in the literature in individuals affected with REPS1-related conditions. ClinVar contains an entry for this variant (Variation ID: 3432095). Invitae Evidence Modeling of protein sequence and biophysical properties (such as structural, functional, and spatial information, amino acid conservation, physicochemical variation, residue mobility, and thermodynamic stability) indicates that this missense variant is not expected to disrupt REPS1 protein function with a negative predictive value of 80%. In summary, the available evidence is currently insufficient to determine the role of this variant in disease. Therefore, it has been classified as a Variant of Uncertain Significance.

Ambry Genetics
Classification: Uncertain significance. Last evaluated: 2024-09-08. Review status: criteria provided, single submitter. Criteria: Ambry Variant Classification Scheme 2023. Collection method: clinical testing. Allele origin: germline.